The following is an entry in ClinVar:

ClinVar aggregate classification (germline): Uncertain significance (1 of 4 stars; one submission).

Submission:

Women's Health and Genetics/Laboratory Corporation of America, LabCorp
Classification: Uncertain significance. Last evaluated: 2023-09-08. Review status: criteria provided, single submitter. Criteria: LabCorp Variant Classification Summary - May 2015. Collection method: clinical testing. Allele origin: germline.
Comment: Variant summary: PPP2R3C c.713_714delTA (p.Ile238LysfsX13) results in a premature termination codon, predicted to cause a truncation of the encoded protein or absence of the protein due to nonsense mediated decay, however the molecular mechanism of disease attributed to PPP2R3C is currently unknown. The variant was absent in 224500 control chromosomes (gnomAD). The available data on variant occurrences in the general population are insufficient to allow any conclusion about variant significance. To our knowledge, no occurrence of c.713_714delTA in individuals affected with PPP2R3C-Related Disorders and no experimental evidence demonstrating its impact on protein function have been reported. No submitters have cited clinical-significance assessments for this variant to ClinVar after 2014. Based on the evidence outlined above, the variant was classified as uncertain significance.

NM_017917.4(PPP2R3C):c.713_714del (p.Ile238fs)

Genes: PPP2R3C (protein phosphatase 2 regulatory subunit B''gamma; minus strand), LOC101927178 (uncharacterized LOC101927178; plus strand). Cytogenetic location: 14q13.2.
Variant type: Deletion.
Coding change: c.713_714del on transcript NM_017917.4 (MANE Select); coding-DNA positions 713 to 714, 2 bases deleted (TA; older notation c.713_714delTA).
Protein change: p.Ile238fs; shifts the reading frame from isoleucine 238.
Molecular consequence: frameshift variant. On other transcripts: non-coding transcript variant (1).
Genome position (GRCh38, 1-based): chr14:35,096,757-35,096,758, TA deleted on the plus strand (TA on the coding strand, the reverse complement: PPP2R3C is on the minus strand); deleting any 2 consecutive bases within chr14:35,096,757-35,096,759 gives the same sequence; the c. name uses the placement nearest the transcript's 3' end. VCF-style (leftmost placement, unchanged base first): chr14-35096756-TTA-T. GRCh37 (hg19) VCF-style: chr14-35565962-TTA-T.
Other names: c.383_384del, p.Ile128fs (NM_001305155.2, NM_001305156.2); short protein forms I128fs, I238fs.
Identifiers: ClinVar variation 2627172 (VCV002627172.1), dbSNP rs2046010864, ClinGen allele CA961887010.